The following is an entry in ClinVar:

NM_000384.3(APOB):c.10781G>A (p.Trp3594Ter)

Gene: APOB (apolipoprotein B; minus strand). Cytogenetic location: 2p24.1.
Variant type: single nucleotide variant.
Coding change: c.10781G>A on transcript NM_000384.3 (MANE Select); coding-DNA position 10781, G replaced by A.
Protein change: p.Trp3594Ter; replaces tryptophan 3594 with a stop codon.
Molecular consequence: nonsense.
Genome position (GRCh38, 1-based): chr2:21,006,087, C>T on the plus strand (G>A on the coding strand, the complement: APOB is on the minus strand). VCF-style: chr2-21006087-C-T. GRCh37 (hg19) VCF-style: chr2-21228959-C-T.
Other names: short protein forms W3594*.
Identifiers: ClinVar variation 2927812 (VCV002927812.4), dbSNP rs1663129046, ClinGen allele CA345984999.

ClinVar aggregate classification (germline): Pathogenic/Likely pathogenic. Review status: criteria provided, multiple submitters, no conflicts (2 of 4 stars). 2 submissions from 2 submitters: Pathogenic (1); Likely pathogenic (1). Last evaluated 2023-10-20.

Conditions:
Hypercholesterolemia, autosomal dominant, type B (FHCL2). Also called: APOB-Related Familial Hypercholesterolemia, Autosomal Dominant; Familial Hypercholesterolemia Type B; APOLIPOPROTEIN B-100, FAMILIAL DEFECTIVE; APOLIPOPROTEIN B-100, FAMILIAL LIGAND-DEFECTIVE; HYPERCHOLESTEROLEMIA, FAMILIAL, DUE TO LIGAND-DEFECTIVE APOLIPOPROTEIN B; Hyperlipoproteinemia Type IIb. Identifiers: MedGen C1704417, MONDO:0007751, OMIM 144010.
Familial hypobetalipoproteinemia 1. Also called: Hypobetalipoproteinemia, normotriglyceridemic; Acanthocytosis with hypobetalipoproteinemia; APOB-Related Familial Hypobetalipoproteinemia. Identifiers: MedGen C4551990, MONDO:0014252, OMIM 615558.

Allele frequency attached by ClinVar (database versions not stated): gnomAD exomes 0.00001.
gnomAD v4.1: 19 of 1,613,960 alleles (0.0012%); highest among the groups gnomAD compares: Non-Finnish European, 0.0016%; no homozygotes.

Submissions (2):

Department of Pathology and Laboratory Medicine, Sinai Health System
Classification: Likely pathogenic for Hypercholesterolemia, autosomal dominant, type B. Last evaluated: 2023-10-20. Review status: criteria provided, single submitter. Criteria: ACMG Guidelines, 2015. Collection method: research. Allele origin: germline.

Labcorp Genetics (formerly Invitae), Labcorp
Classification: Pathogenic for Familial hypobetalipoproteinemia 1; Hypercholesterolemia, autosomal dominant, type B. Last evaluated: 2022-12-26. Review status: criteria provided, single submitter. Criteria: Invitae Variant Classification Sherloc (09022015). Collection method: clinical testing. Allele origin: germline.
Comment: For these reasons, this variant has been classified as Pathogenic. This variant has not been reported in the literature in individuals affected with APOB-related conditions. This variant is not present in population databases (gnomAD no frequency). This sequence change creates a premature translational stop signal (p.Trp3594*) in the APOB gene. It is expected to result in an absent or disrupted protein product. Loss-of-function variants in APOB are known to be pathogenic (PMID: 20032471).

Literature cited by the submitters: PubMed 20032471 (cited by Labcorp Genetics (formerly Invitae), Labcorp).